The following is an entry in ClinVar:

ClinVar aggregate classification (germline): Likely pathogenic (1 of 4 stars; one submission).

Allele frequency attached by ClinVar (database versions not stated): gnomAD exomes 0.00001.
gnomAD v4.1: 7 of 1,614,010 alleles (0.00043%); highest among the groups gnomAD compares: East Asian, 0.013%; no homozygotes.

Submission:

Labcorp Genetics (formerly Invitae), Labcorp
Classification: Likely pathogenic. Last evaluated: 2026-01-24. Review status: criteria provided, single submitter. Criteria: Invitae Variant Classification Sherloc (09022015). Collection method: clinical testing. Allele origin: germline.
Comment: This sequence change affects an acceptor splice site in intron 49 of the NBAS gene. It is expected to disrupt RNA splicing. Variants that disrupt the donor or acceptor splice site typically lead to a loss of protein function (PMID: 16199547), and loss-of-function variants in NBAS are known to be pathogenic (PMID: 26073778, 26541327, 27789416, 28031453). This variant is not present in population databases (gnomAD no frequency). This variant has not been reported in the literature in individuals affected with NBAS-related conditions. ClinVar contains an entry for this variant (Variation ID: 2973297). Algorithms developed to predict the effect of sequence changes on RNA splicing suggest that this variant may disrupt the consensus splice site. In summary, the currently available evidence indicates that the variant is pathogenic, but additional data are needed to prove that conclusively. Therefore, this variant has been classified as Likely Pathogenic.

Literature cited by the submitters: PubMed 16199547; PubMed 26073778; PubMed 26541327; PubMed 27789416; PubMed 28031453.

NM_015909.4(NBAS):c.6573-2A>G

Gene: NBAS (NBAS subunit of NRZ tethering complex; minus strand). Cytogenetic location: 2p24.3.
Variant type: single nucleotide variant.
Coding change: c.6573-2A>G on transcript NM_015909.4 (MANE Select); the canonical splice acceptor site of the intron before coding-DNA position 6573, A replaced by G.
Molecular consequence: splice acceptor variant.
Genome position (GRCh38, 1-based): chr2:15,186,882, T>C on the plus strand (A>G on the coding strand, the complement: NBAS is on the minus strand). VCF-style: chr2-15186882-T-C. GRCh37 (hg19) VCF-style: chr2-15327006-T-C.
Identifiers: ClinVar variation 2973297 (VCV002973297.3), dbSNP rs1313057342, ClinGen allele CA345919474.
Genomic context (GRCh38, chr2:15,186,882, plus strand): 5'-CCATCGTACATCTGGTTAGCATCACTGTAGCTAGTCTCACCCATGGATTATTGGTTATGC[T>C]GGTGTTTATGGAGAAAAATACAAGGCACTGGAAATGACTAAAGTTATCATAATTGTGATA-3'